The following is an entry in ClinVar:

ClinVar aggregate classification (germline): Uncertain significance (1 of 4 stars; one submission).

Allele frequency attached by ClinVar (database versions not stated): gnomAD exomes below 0.00001.
gnomAD v4.1: 2 of 1,613,378 alleles (0.00012%); highest among the groups gnomAD compares: African/African-American, 0.0027%; no homozygotes.

Submission:

Labcorp Genetics (formerly Invitae), Labcorp
Classification: Uncertain significance. Last evaluated: 2022-06-24. Review status: criteria provided, single submitter. Criteria: Invitae Variant Classification Sherloc (09022015). Collection method: clinical testing. Allele origin: germline.
Comment: This sequence change replaces histidine, which is basic and polar, with arginine, which is basic and polar, at codon 760 of the TTC37 protein (p.His760Arg). This variant is not present in population databases (gnomAD no frequency). This variant has not been reported in the literature in individuals affected with TTC37-related conditions. Algorithms developed to predict the effect of missense changes on protein structure and function (SIFT, PolyPhen-2, Align-GVGD) all suggest that this variant is likely to be tolerated. In summary, the available evidence is currently insufficient to determine the role of this variant in disease. Therefore, it has been classified as a Variant of Uncertain Significance.

NM_014639.4(SKIC3):c.2279A>G (p.His760Arg)

Gene: SKIC3 (SKI3 subunit of superkiller complex; minus strand). Cytogenetic location: 5q15.
Variant type: single nucleotide variant.
Coding change: c.2279A>G on transcript NM_014639.4 (MANE Select); coding-DNA position 2279, A replaced by G.
Protein change: p.His760Arg; replaces histidine 760 with arginine.
Molecular consequence: missense variant.
Genome position (GRCh38, 1-based): chr5:95,517,158, T>C on the plus strand (A>G on the coding strand, the complement: SKIC3 is on the minus strand). VCF-style: chr5-95517158-T-C. GRCh37 (hg19) VCF-style: chr5-94852862-T-C.
Other names: short protein forms H760R.
Identifiers: ClinVar variation 2129935 (VCV002129935.1), dbSNP rs972105184, ClinGen allele CA122853035.